The following is an entry in ClinVar:

ClinVar aggregate classification (germline): Uncertain significance (1 of 4 stars; one submission).

Submission:

Ambry Genetics
Classification: Uncertain significance. Last evaluated: 2023-09-22. Review status: criteria provided, single submitter. Criteria: Ambry Variant Classification Scheme 2023. Collection method: clinical testing. Allele origin: germline.
Comment: The p.S578I variant (also known as c.1733G>T), located in coding exon 13 of the NPAT gene, results from a G to T substitution at nucleotide position 1733. The serine at codon 578 is replaced by isoleucine, an amino acid with dissimilar properties. This amino acid position is conserved. In addition, this alteration is predicted to be tolerated by in silico analysis. Since supporting evidence is limited at this time, the clinical significance of this alteration remains unclear.

NM_002519.3(NPAT):c.1733G>T (p.Ser578Ile)

Gene: NPAT (nuclear protein, coactivator of histone transcription; minus strand). Cytogenetic location: 11q22.3.
Variant type: single nucleotide variant.
Coding change: c.1733G>T on transcript NM_002519.3 (MANE Select); coding-DNA position 1733, G replaced by T.
Protein change: p.Ser578Ile; replaces serine 578 with isoleucine.
Molecular consequence: missense variant.
Genome position (GRCh38, 1-based): chr11:108,173,251, C>A on the plus strand (G>T on the coding strand, the complement: NPAT is on the minus strand). VCF-style: chr11-108173251-C-A. GRCh37 (hg19) VCF-style: chr11-108043978-C-A.
Other names: c.1733G>T, p.Ser578Ile (NM_001321307.1); short protein forms S578I.
Identifiers: ClinVar variation 3222487 (VCV003222487.1), dbSNP rs531991860, ClinGen allele CA382514479.